The following is an entry in ClinVar:

NM_001371623.1(TCOF1):c.2629_2648del (p.Ser877fs)

Gene: TCOF1 (treacle ribosome biogenesis factor 1; plus strand). Cytogenetic location: 5q32.
Variant type: Deletion.
Coding change: c.2629_2648del on transcript NM_001371623.1 (MANE Select); coding-DNA positions 2629 to 2648, 20 bases deleted (AGTGAGGAGGAGGCGGAGAC).
Protein change: p.Ser877fs; shifts the reading frame from serine 877.
Molecular consequence: frameshift variant.
Genome position (GRCh38, 1-based): chr5:150,379,379-150,379,398, AGTGAGGAGGAGGCGGAGAC deleted; deleting any 20 consecutive bases within chr5:150,379,375-150,379,398 gives the same sequence; the c. name uses the placement nearest the transcript's 3' end. VCF-style (leftmost placement, unchanged base first): chr5-150379374-CAGACAGTGAGGAGGAGGCGG-C. GRCh37 (hg19) VCF-style: chr5-149758937-CAGACAGTGAGGAGGAGGCGG-C.
Other names: c.2398_2417del, p.Ser800fs (NM_000356.4, NM_001135245.2); c.2629_2648del, p.Ser877fs (NM_001008657.3, NM_001135243.2, NM_001135244.2 and 1 more transcripts); short protein forms S800fs, S877fs.
Identifiers: ClinVar variation 3234844 (VCV003234844.1), dbSNP rs2533677472, ClinGen allele CA2825001423.

ClinVar aggregate classification (germline): Likely pathogenic (1 of 4 stars; one submission).

Conditions:
Treacher Collins syndrome 1 (TCS1). Also called: TCOF1-Related Treacher Collins Syndrome. Identifiers: Orphanet 861, MedGen CN315775, MONDO:0007944, OMIM 154500.

Submission:

Neuberg Centre For Genomic Medicine, NCGM
Classification: Likely pathogenic for Treacher Collins syndrome 1. Review status: criteria provided, single submitter. Criteria: ACMG Guidelines, 2015. Collection method: clinical testing. Allele origin: germline. Inheritance: Autosomal dominant inheritance. Affected: yes.
Comment: The frameshift c.2629_2648delp.Ser877AlafsTer48 variant in TCOF1 gene has not been reported previously as a pathogenic variant nor a benign variant, to our knowledge. The p.Ser877AlafsTer48 variant is novel not in any individuals in gnomAD Exomes and 1000 Genomes. This variant has not been reported to the ClinVar database. This variant causes a frameshift starting with codon Serine 877, changes this amino acid to Alanine residue, and creates a premature Stop codon at position 48 of the new reading frame, denoted p.Ser877AlafsTer48. This variant is predicted to cause loss of normal protein function through protein truncation. Loss of function variants have been previously reported to be disease causing. For these reasons, this variant has been classified as Likely Pathogenic.